The following is an entry in ClinVar:

ClinVar aggregate classification (germline): Uncertain significance (1 of 4 stars; one submission).

Conditions:
Al-Raqad syndrome. Identifiers: MedGen C4085595, MONDO:0014648, OMIM 616459.

Allele frequency attached by ClinVar (database versions not stated): gnomAD 0.00001; ExAC 0.00002; TOPMed 0.00002.
gnomAD v4.1: 16 of 1,613,878 alleles (0.00099%); highest among the groups gnomAD compares: Admixed American, 0.025%; no homozygotes.

Submission:

Baylor Genetics
Classification: Uncertain significance for Al-Raqad syndrome. Last evaluated: 2019-01-17. Review status: criteria provided, single submitter. Criteria: ACMG Guidelines, 2015. Collection method: clinical testing. Allele origin: paternal. Affected: yes.
Comment: This variant was determined to be of uncertain significance according to ACMG Guidelines, 2015 [PMID:25741868].

NM_014026.6(DCPS):c.201+4C>G

Genes: DCPS (decapping enzyme, scavenger; plus strand), TIRAP-AS1 (TIRAP antisense RNA 1; minus strand). Cytogenetic location: 11q24.2.
Variant type: single nucleotide variant.
Coding change: c.201+4C>G on transcript NM_014026.6 (MANE Select); 4 bases into the intron after coding-DNA position 201, C replaced by G.
Molecular consequence: intron variant. On other transcripts: missense variant (1).
Genome position (GRCh38, 1-based): chr11:126,304,285, C>G. VCF-style: chr11-126304285-C-G. GRCh37 (hg19) VCF-style: chr11-126174180-C-G.
Other names: c.205C>G, p.Pro69Ala (NM_001350236.2); short protein forms P69A.
Identifiers: ClinVar variation 1031228 (VCV001031228.1), dbSNP rs746334180, ClinGen allele CA6354896.
Genomic context (GRCh38, chr11:126,304,285, plus strand): 5'-CTGCAGAAGGTGCTGAGGGAGTCTGCGCGGGACAAAATCATTTTCCTACACGGGAAGGTA[C>G]CAGGAGGCAACCCTGAGGTGGGATGCGGGAAGCAGTGAACCAATCATCGCCTCGGAGGCA-3'